The following is an entry in ClinVar:

NM_001080467.3(MYO5B):c.3295C>T (p.Arg1099Trp)

Gene: MYO5B (myosin VB; minus strand). Cytogenetic location: 18q21.1.
Variant type: single nucleotide variant.
Coding change: c.3295C>T on transcript NM_001080467.3 (MANE Select); coding-DNA position 3295, C replaced by T.
Protein change: p.Arg1099Trp; replaces arginine 1099 with tryptophan.
Molecular consequence: missense variant.
Genome position (GRCh38, 1-based): chr18:49,877,864, G>A on the plus strand (C>T on the coding strand, the complement: MYO5B is on the minus strand). VCF-style: chr18-49877864-G-A. GRCh37 (hg19) VCF-style: chr18-47404234-G-A.
Other names: short protein forms R1099W.
Identifiers: ClinVar variation 1395556 (VCV001395556.8), dbSNP rs751484609, ClinGen allele CA8960765.

ClinVar aggregate classification (germline): Uncertain significance (1 of 4 stars; one submission).

Allele frequency attached by ClinVar (database versions not stated): ExAC 0.00001; TOPMed 0.00001; gnomAD exomes 0.00002; gnomAD 0.00003.
gnomAD v4.1: 24 of 1,613,962 alleles (0.0015%); highest among the groups gnomAD compares: Middle Eastern, 0.016%; no homozygotes.

Submission:

Labcorp Genetics (formerly Invitae), Labcorp
Classification: Uncertain significance. Last evaluated: 2022-08-15. Review status: criteria provided, single submitter. Criteria: Invitae Variant Classification Sherloc (09022015). Collection method: clinical testing. Allele origin: germline.
Comment: This variant has not been reported in the literature in individuals affected with MYO5B-related conditions. In summary, the available evidence is currently insufficient to determine the role of this variant in disease. Therefore, it has been classified as a Variant of Uncertain Significance. Algorithms developed to predict the effect of missense changes on protein structure and function are either unavailable or do not agree on the potential impact of this missense change (SIFT: "Deleterious"; PolyPhen-2: "Probably Damaging"; Align-GVGD: "Class C0"). ClinVar contains an entry for this variant (Variation ID: 1395556). This variant is present in population databases (rs751484609, gnomAD 0.01%). This sequence change replaces arginine, which is basic and polar, with tryptophan, which is neutral and slightly polar, at codon 1099 of the MYO5B protein (p.Arg1099Trp).